The following is an entry in ClinVar:

NM_014956.5(CEP164):c.3234_3236del (p.Ser1081del)

Gene: CEP164 (centrosomal protein 164; plus strand). Cytogenetic location: 11q23.3.
Variant type: Deletion.
Coding change: c.3234_3236del on transcript NM_014956.5 (MANE Select); coding-DNA positions 3234 to 3236, 3 bases deleted (GTC; older notation c.3234_3236delGTC).
Protein change: p.Ser1081del; deletes serine 1081.
Molecular consequence: inframe deletion.
Genome position (GRCh38, 1-based): chr11:117,396,567-117,396,569, GTC deleted. VCF-style (leftmost placement, unchanged base first): chr11-117396566-TGTC-T. GRCh37 (hg19) VCF-style: chr11-117267282-TGTC-T.
Other names: c.3234_3236del (NM_014956.4); c.3243_3245del, p.Ser1084del (NM_001271933.2); short protein forms S1084del, S1081del.
Identifiers: ClinVar variation 1501378 (VCV001501378.11), dbSNP rs749738679, ClinGen allele CA6295378.
Genomic context (GRCh38, chr11:117,396,566, plus strand): 5'-TGCTTTTGCTACACTCAGTGGACTTTTCTACCATGTGTCCCTAGAACCAGACCAAAGAGG[TGTC>T]TTCTTCTCTCTCCCAGAGCAAGGAGGACTTATACTTGGACAGGTGAGTTCCCATAGCCTG-3'

ClinVar aggregate classification (germline): Uncertain significance. Review status: criteria provided, multiple submitters, no conflicts (2 of 4 stars). 4 submissions from 4 submitters: Uncertain significance (4). Last evaluated 2025-08-08.

Conditions:
Nephronophthisis 15 (NPHP15). Identifiers: Orphanet 3156, MedGen C3541853, MONDO:0013917, OMIM 614845.

Allele frequency attached by ClinVar (database versions not stated): gnomAD exomes below 0.00001 and 0.00002; ExAC 0.00004; gnomAD 0.00008 and 0.00009; TOPMed 0.00011.

Submissions (4):

GeneDx
Classification: Uncertain significance. Last evaluated: 2025-08-08. Review status: criteria provided, single submitter. Criteria: GeneDx Variant Classification Process June 2021. Collection method: clinical testing. Allele origin: germline. Affected: yes.
Comment: In-frame deletion of 1 amino acid(s) in a non-repeat region; In silico analysis suggests that this variant does not alter protein structure/function; Has not been previously published as pathogenic or benign to our knowledge

Labcorp Genetics (formerly Invitae), Labcorp
Classification: Uncertain significance for Nephronophthisis 15. Last evaluated: 2024-12-02. Review status: criteria provided, single submitter. Criteria: Invitae Variant Classification Sherloc (09022015). Collection method: clinical testing. Allele origin: germline.
Comment: This variant, c.3234_3236del, results in the deletion of 1 amino acid(s) of the CEP164 protein (p.Ser1081del), but otherwise preserves the integrity of the reading frame. This variant is present in population databases (rs749738679, gnomAD 0.03%). This variant has not been reported in the literature in individuals affected with CEP164-related conditions. ClinVar contains an entry for this variant (Variation ID: 1501378). Experimental studies and prediction algorithms are not available or were not evaluated, and the functional significance of this variant is currently unknown. In summary, the available evidence is currently insufficient to determine the role of this variant in disease. Therefore, it has been classified as a Variant of Uncertain Significance.

Fulgent Genetics
Classification: Uncertain significance for Nephronophthisis 15. Last evaluated: 2024-02-19. Review status: criteria provided, single submitter. Criteria: ACMG Guidelines, 2015. Collection method: clinical testing. Allele origin: germline.

Blueprint Genetics
Classification: Uncertain significance. Last evaluated: 2019-10-07. Review status: criteria provided, single submitter. Criteria: ACMG Guidelines, 2015. Collection method: clinical testing. Allele origin: germline.